The following is an entry in ClinVar:

ClinVar aggregate classification (germline): Uncertain significance. Review status: criteria provided, multiple submitters, no conflicts (2 of 4 stars). 2 submissions from 2 submitters: Uncertain significance (2). Last evaluated 2025-11-03.

Conditions:
Inborn genetic diseases. Identifiers: MedGen C0950123, MeSH D030342.

Submissions (2):

Ambry Genetics
Classification: Uncertain significance for Inborn genetic diseases. Last evaluated: 2025-11-03. Review status: criteria provided, single submitter. Criteria: Ambry Variant Classification Scheme 2023. Collection method: clinical testing. Allele origin: germline.
Comment: The p.F459L variant (also known as c.1375T>C), located in coding exon 5 of the MBD4 gene, results from a T to C substitution at nucleotide position 1375. The phenylalanine at codon 459 is replaced by leucine, an amino acid with highly similar properties. This amino acid position is conserved. In addition, the in silico prediction for this alteration is inconclusive. Based on the available evidence, the clinical significance of this variant remains unclear.

Labcorp Genetics (formerly Invitae), Labcorp
Classification: Uncertain significance. Last evaluated: 2024-11-10. Review status: criteria provided, single submitter. Criteria: Invitae Variant Classification Sherloc (09022015). Collection method: clinical testing. Allele origin: germline.
Comment: This sequence change replaces phenylalanine, which is neutral and non-polar, with leucine, which is neutral and non-polar, at codon 465 of the MBD4 protein (p.Phe465Leu). This variant is not present in population databases (gnomAD no frequency). This variant has not been reported in the literature in individuals affected with MBD4-related conditions. An algorithm developed to predict the effect of missense changes on protein structure and function (PolyPhen-2) suggests that this variant is likely to be disruptive. In summary, the available evidence is currently insufficient to determine the role of this variant in disease. Therefore, it has been classified as a Variant of Uncertain Significance.

NM_001276270.2(MBD4):c.1375T>C (p.Phe459Leu)

Gene: MBD4 (methyl-CpG binding domain 4, DNA glycosylase; minus strand). Cytogenetic location: 3q21.3.
Variant type: single nucleotide variant.
Coding change: c.1375T>C on transcript NM_001276270.2 (MANE Select); coding-DNA position 1375, T replaced by C.
Protein change: p.Phe459Leu; replaces phenylalanine 459 with leucine.
Molecular consequence: missense variant.
Genome position (GRCh38, 1-based): chr3:129,433,868, A>G on the plus strand (T>C on the coding strand, the complement: MBD4 is on the minus strand). VCF-style: chr3-129433868-A-G. GRCh37 (hg19) VCF-style: chr3-129152711-A-G.
Other names: c.1393T>C, p.Phe465Leu (NM_001276271.2, NM_001276272.2, NM_003925.3); c.439T>C, p.Phe147Leu (NM_001276273.2); short protein forms F465L, F459L, F147L.
Identifiers: ClinVar variation 3675769 (VCV003675769.3).
Genomic context (GRCh38, chr3:129,433,868, plus strand): 5'-ACACTGTCTCTACTAAGACAAAGATGATAATAATCCCCAAACCTGAGGTCCGATTGAGAA[A>G]TATAGTAGCGATGAGAAGCTTCCATGGATCATGAAAAAGTGTTTCTTGAACGAGATTAAA-3'
Protein context (NP_001263199.1, residues 449-469): DPWKLLIATI[Phe459Leu]LNRTSGKMAI